The following is an entry in ClinVar:

NM_001282426.2(PIK3CG):c.1995+75A>G

Gene: PIK3CG (phosphatidylinositol-4,5-bisphosphate 3-kinase catalytic subunit gamma; plus strand). Cytogenetic location: 7q22.3.
Variant type: single nucleotide variant.
Coding change: c.1995+75A>G on transcript NM_001282426.2 (MANE Select); 75 bases into the intron after coding-DNA position 1995, A replaced by G.
Molecular consequence: intron variant.
Genome position (GRCh38, 1-based): chr7:106,869,631, A>G. VCF-style: chr7-106869631-A-G. GRCh37 (hg19) VCF-style: chr7-106510076-A-G.
Other names: c.1995+75A>G (NM_001282427.2, NM_002649.3).
Identifiers: ClinVar variation 2688415 (VCV002688415.2), dbSNP rs1526083, ClinGen allele CA12595530.
Genomic context (GRCh38, chr7:106,869,631, plus strand): 5'-TGTTATCAATGGAAGCCTTCTCAAAAGGAATTGATTTGCATATGCACAGGCACTCCATTC[A>G]GTTGTCATCAAATGCCCTTTGTTCAGAGCTTCATCATCGGCAAAAGTAGATATGATGAAG-3'

ClinVar aggregate classification (germline): Benign (1 of 4 stars; one submission).

Allele frequency attached by ClinVar (database versions not stated): TOPMed 0.37028; gnomAD 0.37789; 1000 Genomes Project 30x 0.38679; 1000 Genomes Project 0.38798.
gnomAD v4.1: 480,381 of 1,233,084 alleles (39%); highest among the groups gnomAD compares: East Asian, 48%; 94,654 homozygotes.

Submission:

Unidad de Genómica Garrahan, Hospital de Pediatría Garrahan
Classification: Benign. Last evaluated: 2024-01-24. Review status: criteria provided, single submitter. Criteria: ACMG Guidelines, 2015. Collection method: clinical testing. Allele origin: germline. Affected: no. Observed: 45 variant alleles.
Comment: This variant is classified as Benign based on local population frequency. This variant was detected in 51% of patients studied by a panel of primary immunodeficiencies. Number of patients: 45. Only high quality variants are reported.